The following is an entry in ClinVar:

ClinVar aggregate classification (germline): Uncertain significance. Review status: criteria provided, multiple submitters, no conflicts (2 of 4 stars). 3 submissions from 3 submitters: Uncertain significance (3). Last evaluated 2026-01-14.

Conditions:
Congenital heart defects, multiple types, 5. Identifiers: MedGen C4693563, MONDO:0060663, OMIM 617912.

Allele frequency attached by ClinVar (database versions not stated): ExAC 0.00002; gnomAD 0.00001; gnomAD exomes 0.00001; TOPMed 0.00001.
gnomAD v4.1: 17 of 1,603,724 alleles (0.0011%); highest among the groups gnomAD compares: South Asian, 0.0078%; no homozygotes.

Submissions (3):

Labcorp Genetics (formerly Invitae), Labcorp
Classification: Uncertain significance. Last evaluated: 2026-01-14. Review status: criteria provided, single submitter. Criteria: Invitae Variant Classification Sherloc (09022015). Collection method: clinical testing. Allele origin: germline.
Comment: This sequence change replaces arginine, which is basic and polar, with histidine, which is basic and polar, at codon 232 of the GATA5 protein (p.Arg232His). The frequency data for this variant in the population databases is considered unreliable, as metrics indicate poor data quality at this position in the gnomAD database. This variant has not been reported in the literature in individuals affected with GATA5-related conditions. ClinVar contains an entry for this variant (Variation ID: 977500). Invitae Evidence Modeling of protein sequence and biophysical properties (such as structural, functional, and spatial information, amino acid conservation, physicochemical variation, residue mobility, and thermodynamic stability) indicates that this missense variant is expected to disrupt GATA5 protein function with a positive predictive value of 80%. In summary, the available evidence is currently insufficient to determine the role of this variant in disease. Therefore, it has been classified as a Variant of Uncertain Significance.

Johns Hopkins Genomics, Johns Hopkins University
Classification: Uncertain significance for Congenital heart defects, multiple types, 5. Last evaluated: 2020-08-28. Review status: criteria provided, single submitter. Criteria: ACMG Guidelines, 2015. Collection method: clinical testing. Allele origin: germline.
Comment: This GATA5 variant (rs753656900) is rare (<0.1%) in a large population dataset (gnomAD: 3/231446 total alleles; 0.001%; no homozygotes) and has not been reported previously in the literature to our knowledge. Three bioinformatic tools queried predict that p.Arg232His would be damaging. The arginine residue at this position is strongly conserved across all vertebrate species assessed. This variant is not predicted to affect normal exon 3 splicing, although this has not been confirmed experimentally to our knowledge. Due to insufficient evidence, we consider the clinical significance of c.695G>A to be uncertain at this time.

GeneDx
Classification: Uncertain significance. Last evaluated: 2019-12-18. Review status: criteria provided, single submitter. Criteria: GeneDx Variant Classification Process June 2021. Collection method: clinical testing. Allele origin: germline. Affected: yes.
Comment: Has not been previously published as pathogenic or benign to our knowledge; In silico analysis, which includes protein predictors and evolutionary conservation, supports a deleterious effect

Literature cited by the submitters: PubMed 22961344 (cited by Johns Hopkins Genomics, Johns Hopkins University); PubMed 23031282 (cited by Johns Hopkins Genomics, Johns Hopkins University); PubMed 24638895 (cited by Johns Hopkins Genomics, Johns Hopkins University).

NM_080473.5(GATA5):c.695G>A (p.Arg232His)

Gene: GATA5 (GATA binding protein 5; minus strand). Cytogenetic location: 20q13.33.
Variant type: single nucleotide variant.
Coding change: c.695G>A on transcript NM_080473.5 (MANE Select); coding-DNA position 695, G replaced by A.
Protein change: p.Arg232His; replaces arginine 232 with histidine.
Molecular consequence: missense variant.
Genome position (GRCh38, 1-based): chr20:62,473,407, C>T on the plus strand (G>A on the coding strand, the complement: GATA5 is on the minus strand). VCF-style: chr20-62473407-C-T. GRCh37 (hg19) VCF-style: chr20-61048463-C-T.
Other names: c.695G>A (NM_080473.4); short protein forms R232H.
Identifiers: ClinVar variation 977500 (VCV000977500.7), dbSNP rs753656900, ClinGen allele CA9946242.